The following is an entry in ClinVar:

NM_003982.4(SLC7A7):c.748G>A (p.Glu250Lys)

Gene: SLC7A7 (solute carrier family 7 member 7; minus strand). Cytogenetic location: 14q11.2.
Variant type: single nucleotide variant.
Coding change: c.748G>A on transcript NM_003982.4 (MANE Select); coding-DNA position 748, G replaced by A.
Protein change: p.Glu250Lys; replaces glutamic acid 250 with lysine.
Molecular consequence: missense variant.
Genome position (GRCh38, 1-based): chr14:22,778,815, C>T on the plus strand (G>A on the coding strand, the complement: SLC7A7 is on the minus strand). VCF-style: chr14-22778815-C-T. GRCh37 (hg19) VCF-style: chr14-23248024-C-T.
Other names: c.748G>A, p.Glu250Lys (NM_001126105.3, NM_001126106.4); short protein forms E250K.
Identifiers: ClinVar variation 644897 (VCV000644897.8), dbSNP rs1225308034, ClinGen allele CA388923920.

ClinVar aggregate classification (germline): Uncertain significance (1 of 4 stars; one submission).

Conditions:
Lysinuric protein intolerance (LPI). Identifiers: Orphanet 470, MedGen C0268647, MONDO:0009109, OMIM 222700.

Allele frequency attached by ClinVar (database versions not stated): gnomAD exomes below 0.00001; gnomAD 0.00001.
gnomAD v4.1: 2 of 1,614,076 alleles (0.00012%); highest among the groups gnomAD compares: Non-Finnish European, 0.00017%; no homozygotes.

Submission:

Labcorp Genetics (formerly Invitae), Labcorp
Classification: Uncertain significance for Lysinuric protein intolerance. Last evaluated: 2018-07-28. Review status: criteria provided, single submitter. Criteria: Invitae Variant Classification Sherloc (09022015). Collection method: clinical testing. Allele origin: germline.
Comment: This sequence change replaces glutamic acid with lysine at codon 250 of the SLC7A7 protein (p.Glu250Lys). The glutamic acid residue is highly conserved and there is a small physicochemical difference between glutamic acid and lysine. This variant is not present in population databases (ExAC no frequency). This variant has not been reported in the literature in individuals with SLC7A7-related disease. Algorithms developed to predict the effect of missense changes on protein structure and function are either unavailable or do not agree on the potential impact of this missense change (SIFT: "Tolerated"; PolyPhen-2: "Possibly Damaging"; Align-GVGD: "Class C0"). In summary, the available evidence is currently insufficient to determine the role of this variant in disease. Therefore, it has been classified as a Variant of Uncertain Significance.